The following is an entry in ClinVar:

NM_000372.5(TYR):c.1446G>C (p.Ala482=)

Gene: TYR (tyrosinase; plus strand). Cytogenetic location: 11q14.3.
Variant type: single nucleotide variant.
Coding change: c.1446G>C on transcript NM_000372.5 (MANE Select); coding-DNA position 1446, G replaced by C.
Protein change: p.Ala482=; no amino-acid change (alanine 482 retained).
Molecular consequence: synonymous variant.
Genome position (GRCh38, 1-based): chr11:89,295,222, G>C. VCF-style: chr11-89295222-G-C. GRCh37 (hg19) VCF-style: chr11-89028390-G-C.
Identifiers: ClinVar variation 499569 (VCV000499569.12), dbSNP rs3913543, ClinGen allele CA6221463.
Genomic context (GRCh38, chr11:89,295,222, plus strand): 5'-CTACATTAAGTCCTATTTGGAACAAGCGAGTCGGATCTGGTCATGGCTCCTTGGGGCGGC[G>C]ATGGTAGGGGCCGTCCTCACTGCCCTGCTGGCAGGGCTTGTGAGCTTGCTGTGTCGTCAC-3'
Protein context (NP_000363.1, residues 472-492): SRIWSWLLGA[Ala482=]MVGAVLTALL

ClinVar aggregate classification (germline): Conflicting classifications of pathogenicity. Review status: criteria provided, conflicting classifications (1 of 4 stars). 4 submissions from 4 submitters: Uncertain significance (3); Likely benign (1). Last evaluated 2024-09-09.

Conditions:
Oculocutaneous albinism type 1A (OCA1A). Also called: Albinism, oculocutaneous, type IA. Identifiers: Orphanet 352731, Orphanet 79431, MedGen C4551504, MONDO:0008745, OMIM 203100. Disease mechanism: loss of function.
Oculocutaneous albinism. Identifiers: Orphanet 55, MedGen C0078918, MONDO:0018910.

Allele frequency attached by ClinVar (database versions not stated): TOPMed 0.00008; gnomAD 0.00022.
gnomAD v4.1: 74 of 1,613,802 alleles (0.0046%); highest among the groups gnomAD compares: Middle Eastern, 0.016%; no homozygotes.

Submissions (4):

Blueprint Genetics
Classification: Likely benign. Last evaluated: 2024-09-09. Review status: criteria provided, single submitter. Criteria: ACMG Guidelines, 2015. Collection method: clinical testing. Allele origin: germline.

Genome-Nilou Lab
Classification: Uncertain significance for Oculocutaneous albinism type 1A. Last evaluated: 2021-09-05. Review status: criteria provided, single submitter. Criteria: ACMG Guidelines, 2015. Collection method: clinical testing. Allele origin: germline. Affected: no.

Illumina Laboratory Services, Illumina
Classification: Uncertain significance for Oculocutaneous albinism. Last evaluated: 2017-04-28. Review status: criteria provided, single submitter. Criteria: ICSL Variant Classification Criteria 13 December 2019. Collection method: clinical testing. Allele origin: germline.
Comment: This variant was observed as part of a predisposition screen in an ostensibly healthy population. A literature search was performed for the gene, cDNA change, and amino acid change (where applicable). Publications were found based on this search. However, the evidence from the literature, in combination with allele frequency data from public databases where available, was not sufficient to rule this variant in or out of causing disease. Therefore, this variant is classified as a variant of unknown significance.

Eurofins Ntd Llc (ga)
Classification: Uncertain significance. Last evaluated: 2016-12-29. Review status: criteria provided, single submitter. Criteria: EGL Classification Definitions 2015. Collection method: clinical testing. Allele origin: germline. Observed: 1 variant allele, 1 heterozygote.

Literature cited by the submitters: PubMed 15146472 (cited by Illumina Laboratory Services, Illumina).